The following is an entry in ClinVar:

ClinVar aggregate classification (germline): Benign/Likely benign. Review status: criteria provided, multiple submitters, no conflicts (2 of 4 stars). 5 submissions from 5 submitters: Benign (1); Likely benign (4). Last evaluated 2025-02-26.

Conditions:
Hereditary cancer-predisposing syndrome. Also called: Neoplastic Syndromes, Hereditary; Tumor predisposition; Hereditary neoplastic syndrome; Hereditary Cancer Syndrome. Identifiers: Orphanet 140162, MedGen C0027672, MeSH D009386, MONDO:0015356.
Familial adenomatous polyposis 2. Also called: COLORECTAL ADENOMATOUS POLYPOSIS, AUTOSOMAL RECESSIVE; ADENOMAS, MULTIPLE COLORECTAL, AUTOSOMAL RECESSIVE; MUTYH-associated polyposis; FAP type 2; MUTYH-related attenuated familial adenomatous polyposis; Adenomas, multiple colorectal. Identifiers: Orphanet 220460, Orphanet 247798, MedGen C3272841, MONDO:0012041, OMIM 608456.

Allele frequency attached by ClinVar (database versions not stated): gnomAD exomes below 0.00001 and 0.00001; ExAC 0.00001; gnomAD 0.00001.
gnomAD v4.1: 8 of 1,614,120 alleles (0.0005%); highest among the groups gnomAD compares: Non-Finnish European, 0.00068%; no homozygotes.

Submissions (5):

Labcorp Genetics (formerly Invitae), Labcorp
Classification: Likely benign for Familial adenomatous polyposis 2. Last evaluated: 2025-02-26. Review status: criteria provided, single submitter. Criteria: Invitae Variant Classification Sherloc (09022015). Collection method: clinical testing. Allele origin: germline.

All of Us Research Program, National Institutes of Health
Classification: Likely benign for Familial adenomatous polyposis 2. Last evaluated: 2023-08-28. Review status: criteria provided, single submitter. Criteria: ACMG Guidelines, 2015. Collection method: clinical testing. Allele origin: germline. Inheritance: Autosomal recessive inheritance. Observed: 2 variant alleles, 2 heterozygotes.
Comment: This study involves interpretation of variants in research participants for the purpose of population health screening. Participant phenotype was not available at the time of variant classification. Additional details can be found in publication PMID: 35346344, PMCID: PMC8962531

Color Diagnostics, LLC DBA Color Health
Classification: Likely benign for Hereditary cancer-predisposing syndrome. Last evaluated: 2022-08-11. Review status: criteria provided, single submitter. Criteria: ACMG Guidelines, 2015. Collection method: clinical testing. Allele origin: germline.

Ambry Genetics
Classification: Likely benign for Hereditary cancer-predisposing syndrome. Last evaluated: 2016-04-21. Review status: criteria provided, single submitter. Criteria: Ambry Variant Classification Scheme 2023. Collection method: clinical testing. Allele origin: germline.

GeneDx
Classification: Benign. Last evaluated: 2015-06-17. Review status: criteria provided, single submitter. Criteria: GeneDx Variant Classification Process June 2021. Collection method: clinical testing. Allele origin: germline. Affected: yes.

NM_001048174.2(MUTYH):c.426G>A (p.Val142=)

Gene: MUTYH (mutY DNA glycosylase; minus strand). Cytogenetic location: 1p34.1.
Variant type: single nucleotide variant.
Coding change: c.426G>A on transcript NM_001048174.2 (MANE Select); coding-DNA position 426, G replaced by A.
Protein change: p.Val142=; no amino-acid change (valine 142 retained).
Molecular consequence: synonymous variant. On other transcripts: non-coding transcript variant (2).
Genome position (GRCh38, 1-based): chr1:45,332,829, C>T on the plus strand (G>A on the coding strand, the complement: MUTYH is on the minus strand). VCF-style: chr1-45332829-C-T. GRCh37 (hg19) VCF-style: chr1-45798501-C-T.
Other names: c.426G>A, p.Val142= (NM_001048171.2, NM_001048173.2, NM_001293195.2); c.429G>A, p.Val143= (NM_001048172.2); c.510G>A, p.Val170= (NM_001128425.2); c.471G>A, p.Val157= (NM_001293190.2); c.459G>A, p.Val153= (NM_001293191.2); c.150G>A, p.Val50= (NM_001293192.2, NM_001293196.2); c.81G>A, p.Val27= (NM_001350650.2, NM_001350651.2); c.501G>A, p.Val167= (NM_012222.3).
Identifiers: ClinVar variation 464729 (VCV000464729.17), dbSNP rs761195246, ClinGen allele CA058117.